The following is an entry in ClinVar:

NM_000059.4(BRCA2):c.7504C>G (p.Arg2502Gly)

Gene: BRCA2 (BRCA2 DNA repair associated; plus strand). Cytogenetic location: 13q13.1.
Variant type: single nucleotide variant.
Coding change: c.7504C>G on transcript NM_000059.4 (MANE Select); coding-DNA position 7504, C replaced by G.
Protein change: p.Arg2502Gly; replaces arginine 2502 with glycine.
Molecular consequence: missense variant. On other transcripts: non-coding transcript variant (1).
Genome position (GRCh38, 1-based): chr13:32,356,496, C>G. VCF-style: chr13-32356496-C-G. GRCh37 (hg19) VCF-style: chr13-32930633-C-G.
Other names: c.7408C>G, p.Arg2470Gly (NM_001406719.1); c.7504C>G, p.Arg2502Gly (NM_001406720.1, NM_001432077.1); c.2572C>G, p.Arg858Gly (NM_001406721.1); c.1087C>G, p.Arg363Gly (NM_001406722.1); short protein forms R2470G, R2502G, R363G, R858G.
Identifiers: ClinVar variation 3764509 (VCV003764509.1).

ClinVar aggregate classification (germline): Uncertain significance (1 of 4 stars; one submission).

Conditions:
Hereditary cancer. Identifiers: MedGen C1333600.

Submission:

Mendelics
Classification: Uncertain significance for Hereditary cancer. Last evaluated: 2025-02-04. Review status: criteria provided, single submitter. Criteria: ACMG Guidelines, 2015. Collection method: clinical testing. Allele origin: unknown.
Comment: The available evidence is insufficient to conclusively determine the role of this variant. Therefore, it is classified as a Variant of Uncertain Significance.